The following is an entry in ClinVar:

NM_001375765.1(GIGYF1):c.3097del (p.Asp1033fs)

Gene: GIGYF1 (GRB10 interacting GYF protein 1; minus strand). Cytogenetic location: 7q22.1.
Variant type: Deletion.
Coding change: c.3097del on transcript NM_001375765.1 (MANE Select); coding-DNA position 3097, one base deleted (G; older notation c.3097delG).
Protein change: p.Asp1033fs; shifts the reading frame from aspartic acid 1033.
Molecular consequence: frameshift variant. On other transcripts: nonsense (8), non-coding transcript variant (1).
Genome position (GRCh38, 1-based): chr7:100,681,730, C deleted on the plus strand (G on the coding strand, the reverse complement: GIGYF1 is on the minus strand); the first of 2 consecutive C bases (chr7:100,681,730-100,681,731); deleting either gives the same sequence. VCF-style (leftmost placement, unchanged base first): chr7-100681729-TC-T. GRCh37 (hg19) VCF-style: chr7-100279352-TC-T.
Other names: NM_022574.4:c.3097delG; c.3189del, p.Ala1062_Trp1063insTer (NM_001375759.1, NM_001375760.1, NM_001375761.1 and 3 more transcripts); c.3097del, p.Asp1033fs (NM_001375766.1); c.3114del, p.Ala1037_Trp1038insTer (NM_001375767.1); c.3111del, p.Ala1036_Trp1037insTer (NM_001375768.1); short protein forms D1033fs.
Identifiers: ClinVar variation 3036050 (VCV003036050.2), dbSNP rs1158401392, ClinGen allele CA576715088.

ClinVar aggregate classification (germline): Uncertain significance (0 of 4 stars; one submission).

Conditions:
GIGYF1-related disorder. Also called: GIGYF1-related condition.

Submission:

PreventionGenetics, part of Exact Sciences
Classification: Uncertain significance for GIGYF1-related condition. Last evaluated: 2024-01-31. Review status: no assertion criteria provided. Collection method: clinical testing. Allele origin: germline.
Comment: The GIGYF1 c.3097delG variant is predicted to result in a frameshift and premature protein termination (p.Asp1033Metfs*14). This variant is reported in 0.023% of alleles in individuals of African descent in gnomAD. At this time, the clinical significance of this variant is uncertain due to the absence of conclusive functional and genetic evidence.